The following is an entry in ClinVar:

ClinVar aggregate classification (germline): Uncertain significance (1 of 4 stars; one submission).

gnomAD v4.1: 34 of 1,589,604 alleles (0.0021%); highest among the groups gnomAD compares: East Asian, 0.077%; no homozygotes.

Submission:

Labcorp Genetics (formerly Invitae), Labcorp
Classification: Uncertain significance. Last evaluated: 2024-07-15. Review status: criteria provided, single submitter. Criteria: Invitae Variant Classification Sherloc (09022015). Collection method: clinical testing. Allele origin: germline.
Comment: This sequence change replaces alanine, which is neutral and non-polar, with threonine, which is neutral and polar, at codon 1205 of the TONSL protein (p.Ala1205Thr). This variant is present in population databases (rs782390647, gnomAD 0.03%). This variant has not been reported in the literature in individuals affected with TONSL-related conditions. Advanced modeling of protein sequence and biophysical properties (such as structural, functional, and spatial information, amino acid conservation, physicochemical variation, residue mobility, and thermodynamic stability) performed at Invitae indicates that this missense variant is not expected to disrupt TONSL protein function with a negative predictive value of 80%. In summary, the available evidence is currently insufficient to determine the role of this variant in disease. Therefore, it has been classified as a Variant of Uncertain Significance.

NM_013432.5(TONSL):c.3613G>A (p.Ala1205Thr)

Gene: TONSL (tonsoku like, DNA repair protein; minus strand). Cytogenetic location: 8q24.3.
Variant type: single nucleotide variant.
Coding change: c.3613G>A on transcript NM_013432.5 (MANE Select); coding-DNA position 3613, G replaced by A.
Protein change: p.Ala1205Thr; replaces alanine 1205 with threonine.
Molecular consequence: missense variant.
Genome position (GRCh38, 1-based): chr8:144,432,407, C>T on the plus strand (G>A on the coding strand, the complement: TONSL is on the minus strand). VCF-style: chr8-144432407-C-T. GRCh37 (hg19) VCF-style: chr8-145657790-C-T.
Other names: short protein forms A1205T.
Identifiers: ClinVar variation 3612375 (VCV003612375.2).